The following is an entry in ClinVar:

ClinVar aggregate classification (germline): Benign. Review status: criteria provided, single submitter (1 of 4 stars). 2 submissions from 1 submitter: Benign (2). Last evaluated 2018-01-12.

Conditions:
Susceptibility to mononeuropathy of the median nerve, mild. Also called: CARPAL TUNNEL SYNDROME, SUSCEPTIBILITY TO. Identifiers: MedGen C3150596, MONDO:0013237, OMIM 613353.
Charcot-Marie-Tooth disease type 4C (CMT4C). Also called: CHARCOT-MARIE-TOOTH DISEASE, DEMYELINATING, AUTOSOMAL RECESSIVE, TYPE 4C; CMT 4C; Charcot-Marie-Tooth Neuropathy Type 4C (CMT4C); CHARCOT-MARIE-TOOTH DISEASE, DEMYELINATING, TYPE 4C; SH3TC2-Related Hereditary Motor and Sensory Neuropathy. Identifiers: Orphanet 99949, MedGen C1866636, MONDO:0011113, OMIM 601596.

Allele frequency attached by ClinVar (database versions not stated): 1000 Genomes Project 0.01058; 1000 Genomes Project 30x 0.01062; TOPMed 0.01443; gnomAD 0.01595 and 0.01656.
gnomAD v4.1: 2,515 of 152,188 alleles (1.7%); highest among the groups gnomAD compares: South Asian, 3.4%; 35 homozygotes.

Submissions (2):

Illumina Laboratory Services, Illumina
Classification: Benign for Charcot-Marie-Tooth disease type 4C. Last evaluated: 2018-01-12. Review status: criteria provided, single submitter. Criteria: ICSL Variant Classification Criteria 13 December 2019. Collection method: clinical testing. Allele origin: germline.
Comment: This variant was observed in the ICSL laboratory as part of a predisposition screen in an ostensibly healthy population. It had not been previously curated by ICSL or reported in the Human Gene Mutation Database (HGMD: prior to June 1st, 2018), and was therefore a candidate for classification through an automated scoring system. Utilizing variant allele frequency, disease prevalence and penetrance estimates, and inheritance mode, an automated score was calculated to assess if this variant is too frequent to cause the disease. Based on the score and internal cut-off values, a variant classified as benign is not then subjected to further curation. The score for this variant resulted in a classification of benign for this disease.

Illumina Laboratory Services, Illumina
Classification: Benign for Susceptibility to mononeuropathy of the median nerve, mild. Last evaluated: 2018-01-12. Review status: criteria provided, single submitter. Criteria: ICSL Variant Classification Criteria 13 December 2019. Collection method: clinical testing. Allele origin: germline.
Comment: the same text as in the submission from Illumina Laboratory Services, Illumina above.

NM_024577.4(SH3TC2):c.*18299C>T

Gene: SH3TC2 (SH3 domain and tetratricopeptide repeats 2; minus strand). Cytogenetic location: 5q32.
Variant type: single nucleotide variant.
Coding change: c.*18299C>T on transcript NM_024577.4 (MANE Select); 18299 bases downstream of the stop codon, C replaced by T.
Molecular consequence: 3 prime UTR variant.
Genome position (GRCh38, 1-based): chr5:148,986,412, G>A on the plus strand (C>T on the coding strand, the complement: SH3TC2 is on the minus strand). VCF-style: chr5-148986412-G-A. GRCh37 (hg19) VCF-style: chr5-148365975-G-A.
Identifiers: ClinVar variation 351612 (VCV000351612.5), dbSNP rs147903089, ClinGen allele CA10623297.